The following is an entry in ClinVar:

NM_000152.5(GAA):c.1905C>G (p.Asn635Lys)

Gene: GAA (alpha glucosidase; plus strand). Cytogenetic location: 17q25.3.
Variant type: single nucleotide variant.
Coding change: c.1905C>G on transcript NM_000152.5 (MANE Select); coding-DNA position 1905, C replaced by G.
Protein change: p.Asn635Lys; replaces asparagine 635 with lysine.
Molecular consequence: missense variant.
Genome position (GRCh38, 1-based): chr17:80,112,892, C>G. VCF-style: chr17-80112892-C-G. GRCh37 (hg19) VCF-style: chr17-78086691-C-G.
Other names: c.1905C>G, p.Asn635Lys (NM_001079803.3, NM_001079804.3, NM_001406741.1 and 1 more transcripts); short protein forms N635K.
Identifiers: ClinVar variation 3339100 (VCV003339100.1).

ClinVar aggregate classification (germline): Likely pathogenic (1 of 4 stars; one submission).

Conditions:
Glycogen storage disease, type II (IOPD). Also called: CARDIOMEGALIA GLYCOGENICA DIFFUSA; POMPE DISEASE, INFANTILE-ONSET; GLYCOGEN STORAGE DISEASE II, INFANTILE-ONSET; ACID ALPHA-GLUCOSIDASE DEFICIENCY, INFANTILE-ONSET; GAA DEFICIENCY, INFANTILE-ONSET; ACID MALTASE DEFICIENCY, INFANTILE-ONSET. Identifiers: Orphanet 365, MedGen C0017921, MONDO:0009290, OMIM 232300.

Submission:

Women's Health and Genetics/Laboratory Corporation of America, LabCorp
Classification: Likely pathogenic for Glycogen storage disease, type II. Last evaluated: 2024-07-05. Review status: criteria provided, single submitter. Criteria: LabCorp Variant Classification Summary - May 2015. Collection method: clinical testing. Allele origin: germline.
Comment: Variant summary: GAA c.1905C>G (p.Asn635Lys) results in a non-conservative amino acid change located in the Glycoside hydrolase family 31, TIM barrel domain (IPR000322) of the encoded protein sequence. Four of five in-silico tools predict a damaging effect of the variant on protein function. The variant was absent in 241294 control chromosomes (gnomAD). To our knowledge, no occurrence of c.1905C>G in individuals affected with Glycogen Storage Disease, Type 2 (Pompe Disease) and no experimental evidence demonstrating its impact on protein function have been reported. A different variant resulting in the same amino acid consequence has been classified as pathogenic by our lab (c.1905C>A), supporting the pathogenicity of this variant. No submitters have cited clinical-significance assessments for this variant to ClinVar. Based on the evidence outlined above, the variant was classified as likely pathogenic.